The following is an entry in ClinVar:

ClinVar aggregate classification (germline): Uncertain significance (1 of 4 stars; one submission).

Conditions:
Immunodeficiency 14 (IMD14A). Also called: p110-DELTA-ACTIVATING MUTATION CAUSING SENESCENT T CELLS, LYMPHADENOPATHY, AND IMMUNODEFICIENCY; ACTIVATED PI3K-DELTA SYNDROME 1; Activated PI3K Delta Syndrome Type 1 (APDS1); IMMUNODEFICIENCY 14A WITH LYMPHOPROLIFERATION, AUTOSOMAL DOMINANT. Identifiers: Orphanet 397596, Orphanet 693661, MedGen C5907821, MONDO:0014222, OMIM 615513.

Submission:

Labcorp Genetics (formerly Invitae), Labcorp
Classification: Uncertain significance for Activated PI3K-delta syndrome. Last evaluated: 2025-11-03. Review status: criteria provided, single submitter. Criteria: Invitae Variant Classification Sherloc (09022015). Collection method: clinical testing. Allele origin: germline.
Comment: This sequence change replaces aspartic acid, which is acidic and polar, with tyrosine, which is neutral and polar, at codon 466 of the PIK3CD protein (p.Asp466Tyr). This variant is not present in population databases (gnomAD no frequency). This variant has not been reported in the literature in individuals affected with PIK3CD-related conditions. Invitae Evidence Modeling of protein sequence and biophysical properties (such as structural, functional, and spatial information, amino acid conservation, physicochemical variation, residue mobility, and thermodynamic stability) indicates that this missense variant is not expected to disrupt PIK3CD protein function with a negative predictive value of 80%. In summary, the available evidence is currently insufficient to determine the role of this variant in disease. Therefore, it has been classified as a Variant of Uncertain Significance.

NM_005026.5(PIK3CD):c.1396G>T (p.Asp466Tyr)

Genes: PIK3CD (phosphatidylinositol-4,5-bisphosphate 3-kinase catalytic subunit delta; plus strand), LOC126805612 (MED14-independent group 3 enhancer GRCh37_chr1:9778914-9780113; plus strand). Cytogenetic location: 1p36.22.
Variant type: single nucleotide variant.
Coding change: c.1396G>T on transcript NM_005026.5 (MANE Select); coding-DNA position 1396, G replaced by T.
Protein change: p.Asp466Tyr; replaces aspartic acid 466 with tyrosine.
Molecular consequence: missense variant.
Genome position (GRCh38, 1-based): chr1:9,720,168, G>T. VCF-style: chr1-9720168-G-T. GRCh37 (hg19) VCF-style: chr1-9780226-G-T.
Other names: c.1396G>T, p.Asp466Tyr (NM_001350234.2, NM_001437546.1, NM_001437547.1 and 2 more transcripts); c.1309G>T, p.Asp437Tyr (NM_001350235.1); short protein forms D437Y, D466Y.
Identifiers: ClinVar variation 4743263 (VCV004743263.1).